The following is an entry in ClinVar:

ClinVar aggregate classification (germline): Uncertain significance (1 of 4 stars; one submission).

Conditions:
Becker muscular dystrophy (BMD). Also called: MUSCULAR DYSTROPHY, PSEUDOHYPERTROPHIC PROGRESSIVE, BECKER TYPE; Becker Muscular Dystrophy (BMD). Identifiers: Orphanet 98895, MedGen C0917713, MONDO:0010311, OMIM 300376.

Submission:

Wales Gene Park, Division Of Cancer and Genetics, Cardiff University
Classification: Uncertain significance for Becker muscular dystrophy. Last evaluated: 2026-04-28. Review status: criteria provided, single submitter. Criteria: ACGS Best Practice Guidelines for Variant Classification in Rare Disease 2024. Collection method: research. Allele origin: de novo. Inheritance: X-linked inheritance. Study: 100,000 Genomes Project (Wales).
Comment: De novo DMD intronic variant detected by trio genome sequencing. Not present in gnomAD (v4.1.1). SpliceAI predicted donor gain (score 0.82) at +1 bp. Evidence codes: PM2, PP3, PS2_moderate.

NM_004006.3(DMD):c.5739+404A>G

Gene: DMD (dystrophin; minus strand). Cytogenetic location: Xp21.1.
Variant type: single nucleotide variant.
Coding change: c.5739+404A>G on transcript NM_004006.3 (MANE Select); 404 bases into the intron after coding-DNA position 5739, A replaced by G.
Molecular consequence: intron variant.
Genome position (GRCh38, 1-based): chrX:32,342,730, T>C on the plus strand (A>G on the coding strand, the complement: DMD is on the minus strand). VCF-style: chrX-32342730-T-C. GRCh37 (hg19) VCF-style: chrX-32360847-T-C.
Other names: c.5715+404A>G (NM_000109.4); c.1716+404A>G (NM_004011.4); c.1707+404A>G (NM_004012.4); c.5727+404A>G (NM_004009.3); c.5370+404A>G (NM_004010.3).
Identifiers: ClinVar variation 4880221 (VCV004880221.1).